The following is an entry in ClinVar:

NM_001377229.1(DISP1):c.1282C>G (p.Leu428Val)

Gene: DISP1 (dispatched RND transporter family member 1; plus strand). Cytogenetic location: 1q41.
Variant type: single nucleotide variant.
Coding change: c.1282C>G on transcript NM_001377229.1 (MANE Select); coding-DNA position 1282, C replaced by G.
Protein change: p.Leu428Val; replaces leucine 428 with valine.
Molecular consequence: missense variant.
Genome position (GRCh38, 1-based): chr1:223,002,679, C>G. VCF-style: chr1-223002679-C-G. GRCh37 (hg19) VCF-style: chr1-223176021-C-G.
Other names: c.553C>G, p.Leu185Val (NM_001350630.2); c.1282C>G, p.Leu428Val (NM_001369594.1, NM_001377228.1, NM_032890.5); short protein forms L185V, L428V.
Identifiers: ClinVar variation 2979103 (VCV002979103.3), dbSNP rs1284008829, ClinGen allele CA344678860.

ClinVar aggregate classification (germline): Uncertain significance (1 of 4 stars; one submission).

Allele frequency attached by ClinVar (database versions not stated): TOPMed 0.00001.
gnomAD v4.1: 2 of 1,614,170 alleles (0.00012%); highest among the groups gnomAD compares: Admixed American, 0.0033%; no homozygotes.

Submission:

Labcorp Genetics (formerly Invitae), Labcorp
Classification: Uncertain significance. Last evaluated: 2025-06-29. Review status: criteria provided, single submitter. Criteria: Invitae Variant Classification Sherloc (09022015). Collection method: clinical testing. Allele origin: germline.
Comment: This sequence change replaces leucine, which is neutral and non-polar, with valine, which is neutral and non-polar, at codon 428 of the DISP1 protein (p.Leu428Val). This variant is present in population databases (no rsID available, gnomAD 0.006%). This variant has not been reported in the literature in individuals affected with DISP1-related conditions. ClinVar contains an entry for this variant (Variation ID: 2979103). An algorithm developed to predict the effect of missense changes on protein structure and function (PolyPhen-2) suggests that this variant is likely to be disruptive. In summary, the available evidence is currently insufficient to determine the role of this variant in disease. Therefore, it has been classified as a Variant of Uncertain Significance.